The following is an entry in ClinVar:

NM_000245.4(MET):c.2950G>T (p.Val984Leu)

Gene: MET (MET proto-oncogene, receptor tyrosine kinase; plus strand). Cytogenetic location: 7q31.2.
Variant type: single nucleotide variant.
Coding change: c.2950G>T on transcript NM_000245.4 (MANE Select); coding-DNA position 2950, G replaced by T.
Protein change: p.Val984Leu; replaces valine 984 with leucine.
Molecular consequence: missense variant.
Genome position (GRCh38, 1-based): chr7:116,771,911, G>T. VCF-style: chr7-116771911-G-T. GRCh37 (hg19) VCF-style: chr7-116411965-G-T.
Other names: c.1660G>T, p.Val554Leu (NM_001324402.2); c.3004G>T, p.Val1002Leu (NM_001127500.3); short protein forms V1002L, V554L, V984L.
Identifiers: ClinVar variation 4694931 (VCV004694931.2).

ClinVar aggregate classification (germline): Uncertain significance. Review status: criteria provided, multiple submitters, no conflicts (2 of 4 stars). 2 submissions from 2 submitters: Uncertain significance (2). Last evaluated 2026-07-12.

Conditions:
Hereditary cancer-predisposing syndrome. Also called: Hereditary Cancer Syndrome; Hereditary neoplastic syndrome; Neoplastic Syndromes, Hereditary; Tumor predisposition. Identifiers: Orphanet 140162, MedGen C0027672, MeSH D009386, MONDO:0015356.
Renal cell carcinoma. Identifiers: Orphanet 217071, MedGen C0007134, MeSH D002292, MONDO:0005086, HP:0005584.

Submissions (2):

Ambry Genetics
Classification: Uncertain significance for Hereditary cancer-predisposing syndrome. Last evaluated: 2026-07-12. Review status: criteria provided, single submitter. Criteria: Ambry Variant Classification Scheme 2023. Collection method: clinical testing. Allele origin: germline.
Comment: The p.V1002L variant (also known as c.3004G>T), located in coding exon 13 of the MET gene, results from a G to T substitution at nucleotide position 3004. The valine at codon 1002 is replaced by leucine, an amino acid with highly similar properties. This amino acid position is conserved. In addition, the in silico prediction for this alteration is inconclusive. Based on the available evidence, the clinical significance of this variant remains unclear.

Labcorp Genetics (formerly Invitae), Labcorp
Classification: Uncertain significance for Renal cell carcinoma. Last evaluated: 2025-05-28. Review status: criteria provided, single submitter. Criteria: Invitae Variant Classification Sherloc (09022015). Collection method: clinical testing. Allele origin: germline.
Comment: This sequence change replaces valine, which is neutral and non-polar, with leucine, which is neutral and non-polar, at codon 1002 of the MET protein (p.Val1002Leu). This variant is not present in population databases (gnomAD no frequency). This variant has not been reported in the literature in individuals affected with MET-related conditions. Invitae Evidence Modeling of protein sequence and biophysical properties (such as structural, functional, and spatial information, amino acid conservation, physicochemical variation, residue mobility, and thermodynamic stability) indicates that this missense variant is not expected to disrupt MET protein function with a negative predictive value of 80%. In summary, the available evidence is currently insufficient to determine the role of this variant in disease. Therefore, it has been classified as a Variant of Uncertain Significance.